The following is an entry in ClinVar:

NM_016038.4(SBDS):c.227G>A (p.Gly76Glu)

Gene: SBDS (SBDS ribosome maturation factor; minus strand). Cytogenetic location: 7q11.21.
Variant type: single nucleotide variant.
Coding change: c.227G>A on transcript NM_016038.4 (MANE Select); coding-DNA position 227, G replaced by A.
Protein change: p.Gly76Glu; replaces glycine 76 with glutamic acid.
Molecular consequence: missense variant.
Genome position (GRCh38, 1-based): chr7:66,994,243, C>T on the plus strand (G>A on the coding strand, the complement: SBDS is on the minus strand). VCF-style: chr7-66994243-C-T. GRCh37 (hg19) VCF-style: chr7-66459230-C-T.
Other names: short protein forms G76E.
Identifiers: ClinVar variation 5029030 (VCV005029030.1).

ClinVar aggregate classification (germline): Uncertain significance (1 of 4 stars; one submission).

Conditions:
Inborn genetic diseases. Identifiers: MedGen C0950123, MeSH D030342.

gnomAD v4.1: 2 of 1,614,134 alleles (0.00012%); highest among the groups gnomAD compares: Non-Finnish European, 0.00017%; no homozygotes.

Submission:

Ambry Genetics
Classification: Uncertain significance for Inborn genetic diseases. Last evaluated: 2026-07-27. Review status: criteria provided, single submitter. Criteria: Ambry Variant Classification Scheme 2023. Collection method: clinical testing. Allele origin: germline.
Comment: The p.G76E variant (also known as c.227G>A), located in coding exon 2 of the SBDS gene, results from a G to A substitution at nucleotide position 227. The glycine at codon 76 is replaced by glutamic acid, an amino acid with similar properties. This amino acid position is conserved. In addition, this alteration is predicted to be deleterious by in silico analysis. Based on the available evidence, the clinical significance of this variant remains unclear.